The following is an entry in ClinVar:

NM_001130823.3(DNMT1):c.649-5C>T

Gene: DNMT1 (DNA methyltransferase 1; minus strand). Cytogenetic location: 19p13.2.
Variant type: single nucleotide variant.
Coding change: c.649-5C>T on transcript NM_001130823.3 (MANE Select); 5 bases into the intron before coding-DNA position 649, C replaced by T.
Molecular consequence: intron variant.
Genome position (GRCh38, 1-based): chr19:10,173,910, G>A on the plus strand (C>T on the coding strand, the complement: DNMT1 is on the minus strand). VCF-style: chr19-10173910-G-A. GRCh37 (hg19) VCF-style: chr19-10284586-G-A.
Other names: c.286-5C>T (NM_001318731.2); c.601-5C>T (NM_001379.4, NM_001318730.2).
Identifiers: ClinVar variation 758667 (VCV000758667.11), dbSNP rs1316294712, ClinGen allele CA783155295.

ClinVar aggregate classification (germline): Conflicting classifications of pathogenicity. Review status: criteria provided, conflicting classifications (1 of 4 stars). 2 submissions from 2 submitters: Uncertain significance (1); Likely benign (1). Last evaluated 2025-07-03.

Conditions:
Hereditary sensory neuropathy-deafness-dementia syndrome. Also called: HSN IE; Hereditary sensory neuropathy type IE; Hereditary Sensory and Autonomic Neuropathy Type 1E (HSAN1E); NEUROPATHY, HEREDITARY SENSORY, WITH HEARING LOSS AND DEMENTIA. Identifiers: Orphanet 456318, MedGen C3279885, MONDO:0013584, OMIM 614116.

Allele frequency attached by ClinVar (database versions not stated): gnomAD exomes below 0.00001; TOPMed 0.00001.

Submissions (2):

GeneDx
Classification: Uncertain significance. Last evaluated: 2025-07-03. Review status: criteria provided, single submitter. Criteria: GeneDx Variant Classification Process June 2021. Collection method: clinical testing. Allele origin: germline. Affected: yes.
Comment: Not observed at significant frequency in large population cohorts (gnomAD); In silico analysis suggests that this variant does not alter splicing; Has not been previously published as pathogenic or benign to our knowledge

Labcorp Genetics (formerly Invitae), Labcorp
Classification: Likely benign for Hereditary sensory neuropathy-deafness-dementia syndrome. Last evaluated: 2019-06-15. Review status: criteria provided, single submitter. Criteria: Invitae Variant Classification Sherloc (09022015). Collection method: clinical testing. Allele origin: germline.